The following is an entry in ClinVar:

ClinVar aggregate classification (germline): Uncertain significance. Review status: criteria provided, multiple submitters, no conflicts (2 of 4 stars). 2 submissions from 2 submitters: Uncertain significance (2). Last evaluated 2025-03-10.

Conditions:
Inborn genetic diseases. Identifiers: MedGen C0950123, MeSH D030342.
Wilms tumor 1 (WT1). Also called: Wilms tumor, somatic. Identifiers: Orphanet 654, MedGen CN033288, MONDO:0008679, OMIM 194070.
Drash syndrome (DDS). Also called: NEPHROPATHY, WILMS TUMOR, AND GENITAL ANOMALIES; WILMS TUMOR AND PSEUDO- OR TRUE HERMAPHRODITISM. Identifiers: Orphanet 220, MedGen C0950121, MONDO:0008682, OMIM 194080.
11p partial monosomy syndrome (WAGR). Also called: CHROMOSOME 11p13 DELETION SYNDROME; WAGR Spectrum Disorder; WAGR syndrome; WAGR Complex. Identifiers: Orphanet 893, MedGen C0206115, MONDO:0008681, OMIM 194072.
Frasier syndrome. Identifiers: Orphanet 347, MedGen C0950122, MeSH D052159, MONDO:0007635, OMIM 136680.

Submissions (2):

Ambry Genetics
Classification: Uncertain significance for Inborn genetic diseases. Last evaluated: 2025-03-10. Review status: criteria provided, single submitter. Criteria: Ambry Variant Classification Scheme 2023. Collection method: clinical testing. Allele origin: germline.
Comment: The p.R401S variant (also known as c.1203A>T), located in coding exon 7 of the WT1 gene, results from an A to T substitution at nucleotide position 1203. The arginine at codon 401 is replaced by serine, an amino acid with dissimilar properties. This amino acid position is conserved. In addition, the in silico prediction for this alteration is inconclusive. Based on the available evidence, the clinical significance of this variant remains unclear.

Labcorp Genetics (formerly Invitae), Labcorp
Classification: Uncertain significance for Wilms tumor 1; Drash syndrome; 11p partial monosomy syndrome; Frasier syndrome. Last evaluated: 2024-11-26. Review status: criteria provided, single submitter. Criteria: Invitae Variant Classification Sherloc (09022015). Collection method: clinical testing. Allele origin: germline.
Comment: This sequence change replaces arginine, which is basic and polar, with serine, which is neutral and polar, at codon 401 of the WT1 protein (p.Arg401Ser). This variant is not present in population databases (gnomAD no frequency). This variant has not been reported in the literature in individuals affected with WT1-related conditions. Invitae Evidence Modeling of protein sequence and biophysical properties (such as structural, functional, and spatial information, amino acid conservation, physicochemical variation, residue mobility, and thermodynamic stability) indicates that this missense variant is expected to disrupt WT1 protein function with a positive predictive value of 95%. In summary, the available evidence is currently insufficient to determine the role of this variant in disease. Therefore, it has been classified as a Variant of Uncertain Significance.

NM_024426.6(WT1):c.1218A>T (p.Arg406Ser)

Gene: WT1 (WT1 transcription factor; minus strand). Cytogenetic location: 11p13.
Variant type: single nucleotide variant.
Coding change: c.1218A>T on transcript NM_024426.6 (MANE Select); coding-DNA position 1218, A replaced by T.
Protein change: p.Arg406Ser; replaces arginine 406 with serine.
Molecular consequence: missense variant. On other transcripts: non-coding transcript variant (2).
Genome position (GRCh38, 1-based): chr11:32,396,303, T>A on the plus strand (A>T on the coding strand, the complement: WT1 is on the minus strand). VCF-style: chr11-32396303-T-A. GRCh37 (hg19) VCF-style: chr11-32417849-T-A.
Other names: c.1203A>T (NM_024426.4); c.1167A>T, p.Arg389Ser (NM_000378.6, NM_001407045.1, NM_001407048.1 and 1 more transcripts); c.567A>T, p.Arg189Ser (NM_001198551.2); c.516A>T, p.Arg172Ser (NM_001198552.2); c.30A>T, p.Arg10Ser (NM_001367854.1); c.1212A>T, p.Arg404Ser (NM_001407044.1); c.1218A>T, p.Arg406Ser (NM_001407046.1, NM_024424.5); c.1095A>T, p.Arg365Ser (NM_001407047.1); and 4 more; short protein forms R10S, R152S, R172S, R189S, R316S, R333S, R348S, R365S.
Identifiers: ClinVar variation 3754139 (VCV003754139.3).